The following is an entry in ClinVar:

NM_006445.4(PRPF8):c.2965G>C (p.Asp989His)

Gene: PRPF8 (pre-mRNA processing factor 8; minus strand). Cytogenetic location: 17p13.3.
Variant type: single nucleotide variant.
Coding change: c.2965G>C on transcript NM_006445.4 (MANE Select); coding-DNA position 2965, G replaced by C.
Protein change: p.Asp989His; replaces aspartic acid 989 with histidine.
Molecular consequence: missense variant.
Genome position (GRCh38, 1-based): chr17:1,675,247, C>G on the plus strand (G>C on the coding strand, the complement: PRPF8 is on the minus strand). VCF-style: chr17-1675247-C-G. GRCh37 (hg19) VCF-style: chr17-1578541-C-G.
Other names: short protein forms D989H.
Identifiers: ClinVar variation 4880473 (VCV004880473.1).

ClinVar aggregate classification (germline): Likely pathogenic (1 of 4 stars; one submission).

Conditions:
Neurodevelopmental disorder. Identifiers: MedGen C1535926, MeSH D065886, MONDO:0700092.

Submission:

Institute for Genomic Medicine, Nationwide Children's Hospital
Classification: Likely pathogenic for Neurodevelopmental disorder. Last evaluated: 2026-08-04. Review status: criteria provided, single submitter. Criteria: ACMG Guidelines, 2015. Collection method: research. Allele origin: de novo. Inheritance: Autosomal dominant inheritance. Affected: yes. Observed: 1 variant allele, 1 heterozygote.
Comment: This variant is absent from large population databases of human genetic variation (gnomAD v4.1, RGC-ME, and All Of Us). It is a missense variant in a gene with a low rate of benign missense variation and in which missense variants are a common mechanism of disease. Computational prediction tools consistently support a deleterious effect for this variant, including REVEL (0.940), MetaRNN (0.932), CADD (28.9), and SIFT (0.001). We interpret this variant as Likely Pathogenic.

Literature cited by the submitters: PubMed 40066647; PubMed 35543142.